The following is an entry in ClinVar:

ClinVar aggregate classification (germline): Uncertain significance. Review status: criteria provided, multiple submitters, no conflicts (2 of 4 stars). 2 submissions from 2 submitters: Uncertain significance (2). Last evaluated 2022-03-13.

Conditions:
SIN3A-related intellectual disability syndrome due to a point mutation. Also called: WITTEVEEN-KOLK SYNDROME; 15q24 Microdeletion Syndrome. Identifiers: Orphanet 500166, Orphanet 94065, MedGen C4310804, MONDO:0044700, OMIM 613406.

Allele frequency attached by ClinVar (database versions not stated): TOPMed 0.00001.
gnomAD v4.1: 1 of 1,613,448 alleles (0.000062%); no homozygotes.

Submissions (2):

Labcorp Genetics (formerly Invitae), Labcorp
Classification: Uncertain significance. Last evaluated: 2022-03-13. Review status: criteria provided, single submitter. Criteria: Invitae Variant Classification Sherloc (09022015). Collection method: clinical testing. Allele origin: germline.
Comment: Algorithms developed to predict the effect of missense changes on protein structure and function are either unavailable or do not agree on the potential impact of this missense change (SIFT: "Deleterious"; PolyPhen-2: "Benign"; Align-GVGD: "Class C0"). This sequence change replaces serine, which is neutral and polar, with phenylalanine, which is neutral and non-polar, at codon 71 of the SIN3A protein (p.Ser71Phe). This variant is not present in population databases (gnomAD no frequency). This variant has not been reported in the literature in individuals affected with SIN3A-related conditions. ClinVar contains an entry for this variant (Variation ID: 1184396). In summary, the available evidence is currently insufficient to determine the role of this variant in disease. Therefore, it has been classified as a Variant of Uncertain Significance.

New York Genome Center
Classification: Uncertain significance for SIN3A-related intellectual disability syndrome due to a point mutation. Last evaluated: 2020-07-03. Review status: criteria provided, single submitter. Criteria: NYGC Assertion Criteria 2020. Collection method: clinical testing. Allele origin: germline. Observed: 1 heterozygote. Study: CSER-NYCKidSeq.
Comment: The heterozygous p.Ser71Phe missense variant in the SIN3A gene has not been reported in affected individuals in the literature and is absent from gnomAD(v3) database indicating it is an extremely rare allele in the populations represented in the gnomAD database. The variant affects an evolutionarily conserved residue. In Silico prediction tools provide conflicting interpretations about potential pathogenicity of this variant. Based on the current evidence, the p.Ser71Phe variant in the SIN3A gene is assessed as a variant of uncertain significance.

NM_001145358.2(SIN3A):c.212C>T (p.Ser71Phe)

Gene: SIN3A (SIN3 transcription regulator family member A; minus strand). Cytogenetic location: 15q24.2.
Variant type: single nucleotide variant.
Coding change: c.212C>T on transcript NM_001145358.2 (MANE Select); coding-DNA position 212, C replaced by T.
Protein change: p.Ser71Phe; replaces serine 71 with phenylalanine.
Molecular consequence: missense variant.
Genome position (GRCh38, 1-based): chr15:75,422,801, G>A on the plus strand (C>T on the coding strand, the complement: SIN3A is on the minus strand). VCF-style: chr15-75422801-G-A. GRCh37 (hg19) VCF-style: chr15-75715142-G-A.
Other names: c.212C>T, p.Ser71Phe (NM_001145357.2, NM_015477.3); short protein forms S71F.
Identifiers: ClinVar variation 1184396 (VCV001184396.6), dbSNP rs2073861256, ClinGen allele CA393458902.